The following is an entry in ClinVar:

NM_000018.4(ACADVL):c.1375C>T (p.Arg459Trp)

Gene: ACADVL (acyl-CoA dehydrogenase very long chain; plus strand). Cytogenetic location: 17p13.1.
Variant type: single nucleotide variant.
Coding change: c.1375C>T on transcript NM_000018.4 (MANE Select); coding-DNA position 1375, C replaced by T.
Protein change: p.Arg459Trp; replaces arginine 459 with tryptophan.
Molecular consequence: missense variant.
Genome position (GRCh38, 1-based): chr17:7,224,010, C>T. VCF-style: chr17-7224010-C-T. GRCh37 (hg19) VCF-style: chr17-7127329-C-T.
Other names: NM_000018.4(ACADVL):c.1375C>T; c.1147C>T, p.Arg383Trp (NM_001270448.2); c.1309C>T, p.Arg437Trp (NM_001033859.3); c.1444C>T, p.Arg482Trp (NM_001270447.2); short protein forms R459W, R383W, R437W, R482W.
Identifiers: ClinVar variation 203584 (VCV000203584.27), dbSNP rs766742117, ClinGen allele CA312274.

ClinVar aggregate classification (germline): Likely pathogenic. Review status: reviewed by expert panel (3 of 4 stars). 9 submissions from 9 submitters: Likely pathogenic (1). 8 of the submissions do not count toward it. Last evaluated 2025-03-10.

Conditions:
ACADVL-related disorder. Also called: ACADVL-related condition.
Very long chain acyl-CoA dehydrogenase deficiency (ACADVLD). Also called: VLCAD Deficiency; Very Long-Chain Acyl-Coenzyme A Dehydrogenase Deficiency. Identifiers: Orphanet 26793, MedGen C3887523, MONDO:0008723, OMIM 201475.

Allele frequency attached by ClinVar (database versions not stated): gnomAD exomes 0.00001 and 0.00002; TOPMed 0.00001; ExAC 0.00002; gnomAD 0.00001.

Submissions (9):

ClinGen ACADVL Variant Curation Expert Panel, ClinGen
Classification: Likely pathogenic for Very long chain acyl-CoA dehydrogenase deficiency. Last evaluated: 2025-03-10. Review status: reviewed by expert panel. Criteria: clingen acadvl acmg specifications v1. Collection method: curation. Allele origin: germline. Inheritance: Autosomal recessive inheritance.
Comment: The c.1375C>T variant in ACADVL is a missense variant predicted to cause a substitution of arginine by tryptophan at amino acid 459 (p.Arg459Trp). At least one patient with this variant displayed an increased C14:1 level (3.5 μM) on newborn screen, which is highly specific for very long chain acyl CoA dehydrogenase (VLCAD) deficiency (PP4, PMID: 27209629). This individual was homozygous for the variant (PM3_supporting: PMID: 27209629). The highest population minor allele frequency in gnomAD v2.1.1 is 0.0001156 in the Admixed American population, which is lower than the ClinGen ACADVL Variant Curation Expert Panel threshold (<0.001) for PM2_Supporting, meeting this criterion (PM2_Supporting). Another missense variant, c.1376G>A (p.Arg459Gln) (ClinVar Variation ID: 203585) in the same codon has been classified as pathogenic for VLCAD deficiency by the ClinGen ACADVL Variant Curation Expert Panel (PM5). The computational predictor REVEL gives a score of 0.933, which is above the threshold of 0.75, evidence that correlates with impact to ACADVL function (PP3). In summary, this variant meets the criteria to be classified as likely pathogenic for autosomal recessive VLCAD deficiency based on the ACMG/AMP criteria applied, as specified by the ClinGen ACADVL Variant Curation Expert Panel: PP4, PM3_supporting, PM2_supporting, PM5, PP3 (ACADVL VCEP specifications version 1; approved November 9, 2021).

Labcorp Genetics (formerly Invitae), Labcorp
Classification: Likely pathogenic for Very long chain acyl-CoA dehydrogenase deficiency. Last evaluated: 2025-12-02. Review status: criteria provided, single submitter. Criteria: Invitae Variant Classification Sherloc (09022015). Collection method: clinical testing. Allele origin: germline. Not counted in ClinVar's aggregate classification.
Comment: This sequence change replaces arginine, which is basic and polar, with tryptophan, which is neutral and slightly polar, at codon 459 of the ACADVL protein (p.Arg459Trp). This variant is present in population databases (rs766742117, gnomAD 0.009%). This missense change has been observed in individual(s) with biochemical features of very long chain acyl-CoA dehydrogenase deficiency but in whom no second allele was reported (PMID: 9973285, 10738914, 21932095, 26385305; internal data). ClinVar contains an entry for this variant (Variation ID: 203584). Invitae Evidence Modeling of protein sequence and biophysical properties (such as structural, functional, and spatial information, amino acid conservation, physicochemical variation, residue mobility, and thermodynamic stability) indicates that this missense variant is expected to disrupt ACADVL protein function with a positive predictive value of 80%. This variant disrupts the p.Arg459 amino acid residue in ACADVL. Other variant(s) that disrupt this residue have been determined to be pathogenic (PMID: 14517516, 19327992, 21429517, 23798014). This suggests that this residue is clinically significant, and that variants that disrupt this residue are likely to be disease-causing. In summary, the currently available evidence indicates that the variant is pathogenic, but additional data are needed to prove that conclusively. Therefore, this variant has been classified as Likely Pathogenic.

Baylor Genetics
Classification: Likely pathogenic for Very long chain acyl-CoA dehydrogenase deficiency. Last evaluated: 2024-03-21. Review status: criteria provided, single submitter. Criteria: ACMG Guidelines, 2015. Collection method: clinical testing. Allele origin: unknown. Not counted in ClinVar's aggregate classification.

Fulgent Genetics
Classification: Likely pathogenic for Very long chain acyl-CoA dehydrogenase deficiency. Last evaluated: 2024-03-07. Review status: criteria provided, single submitter. Criteria: ACMG Guidelines, 2015. Collection method: clinical testing. Allele origin: germline. Not counted in ClinVar's aggregate classification.

Blueprint Genetics
Classification: Likely pathogenic for ACADVL-related disorders. Last evaluated: 2024-01-30. Review status: criteria provided, single submitter. Criteria: ACMG Guidelines, 2015. Collection method: clinical testing. Allele origin: germline. Affected: yes. Observed: 3 variant alleles. Not counted in ClinVar's aggregate classification.

Women's Health and Genetics/Laboratory Corporation of America, LabCorp
Classification: Uncertain significance. Last evaluated: 2022-03-31. Review status: criteria provided, single submitter. Criteria: LabCorp Variant Classification Summary - May 2015. Collection method: clinical testing. Allele origin: germline. Not counted in ClinVar's aggregate classification.
Comment: Variant summary: ACADVL c.1375C>T (p.Arg459Trp) results in a non-conservative amino acid change located in the Acyl-CoA dehydrogenase/oxidase C-terminal domain of the encoded protein sequence. Five of five in-silico tools predict a damaging effect of the variant on protein function. The variant allele was found at a frequency of 2e-05 in 251418 control chromosomes. The available data on variant occurrences in the general population are insufficient to allow any conclusion about variant significance. c.1375C>T has been reported in the literature in individuals affected with Very Long Chain Acyl-CoA Dehydrogenase Deficiency in heterozygous state. These reports do not provide unequivocal conclusions about association of the variant with Very Long Chain Acyl-CoA Dehydrogenase Deficiency. To our knowledge, no experimental evidence demonstrating an impact on protein function has been reported. Three clinical diagnostic laboratories have submitted clinical-significance assessments for this variant to ClinVar after 2014 without evidence for independent evaluation (Pathogenic/likely pathogenic n=2, VUS n=1). Based on the evidence outlined above, the variant was classified as uncertain significance.

Wong Mito Lab, Molecular and Human Genetics, Baylor College of Medicine
Classification: Pathogenic for Very long chain acyl-CoA dehydrogenase deficiency. Last evaluated: 2019-11-01. Review status: criteria provided, single submitter. Criteria: ACMG Guidelines, 2015. Collection method: clinical testing. Allele origin: germline. Not counted in ClinVar's aggregate classification.
Comment: The NM_000018.3:c.1375C>T (NP_000009.1:p.Arg459Trp) [GRCH38: NC_000017.11:g.7224010C>T] variant in ACADVL gene is interpretated to be Pathogenic based on ACMG guidelines (PMID: 25741868). This variant has been reported in PMID: 9973285; 21932095. This variant meets the following evidence codes reported in the ACMG guidelines: PS1, PS3

ARUP Laboratories, Molecular Genetics and Genomics, ARUP Laboratories
Classification: Likely pathogenic. Last evaluated: 2017-01-10. Review status: criteria provided, single submitter. Criteria: ARUP Molecular Germline Variant Investigation Process. Collection method: clinical testing. Allele origin: germline. Not counted in ClinVar's aggregate classification.

Juno Genomics, Hangzhou Juno Genomics, Inc
Classification: Likely pathogenic for Very long chain acyl-CoA dehydrogenase deficiency. Review status: criteria provided, single submitter. Criteria: ACMG Guidelines, 2015. Collection method: clinical testing. Allele origin: germline. Not counted in ClinVar's aggregate classification.
Comment: Absent from controls (or at extremely low frequency if recessive) in Genome Aggregation Database.;Multiple lines of computational evidence support a deleterious effect on the gene or gene product.;For recessive disorders, detected in trans with a pathogenic variant.

Literature cited by the submitters: PubMed 9973285 (cited by 3 submitters); PubMed 10738914 (cited by Labcorp Genetics (formerly Invitae), Labcorp and Women's Health and Genetics/Laboratory Corporation of America, LabCorp); PubMed 21932095 (cited by 3 submitters); PubMed 26385305 (cited by Labcorp Genetics (formerly Invitae), Labcorp and Women's Health and Genetics/Laboratory Corporation of America, LabCorp); PubMed 14517516 (cited by Labcorp Genetics (formerly Invitae), Labcorp); PubMed 19327992 (cited by Labcorp Genetics (formerly Invitae), Labcorp); PubMed 21429517 (cited by Labcorp Genetics (formerly Invitae), Labcorp); PubMed 23798014 (cited by Labcorp Genetics (formerly Invitae), Labcorp).